The following is an entry in ClinVar:

ClinVar aggregate classification (germline): Pathogenic (1 of 4 stars; one submission).

Conditions:
Heterotopia, periventricular, X-linked dominant (PVNH1). Also called: PERIVENTRICULAR NODULAR HETEROTOPIA 4; HETEROTOPIA, PERIVENTRICULAR, 1; PERIVENTRICULAR NODULAR HETEROTOPIA 1; X-linked periventricular heterotopia. Identifiers: Orphanet 2149, Orphanet 82004, MedGen C1848213, MONDO:0010233, OMIM 300049.
Oto-palato-digital syndrome, type II (OPD2). Also called: Otopalatodigital Syndrome, Type II; FACIOPALATOOSSEOUS SYNDROME; OPD II SYNDROME; Otopalatodigital Syndrome Type 2 (FLNA-OPD2). Identifiers: Orphanet 669, Orphanet 90652, MedGen C1844696, MONDO:0010571, OMIM 304120.
Melnick-Needles syndrome (MNS). Also called: MELNICK-NEEDLES OSTEODYSPLASTY; OSTEODYSPLASTY OF MELNICK AND NEEDLES; Melnick-Needles Syndrome (FLNA-MNS). Identifiers: Orphanet 2484, MedGen C0025237, MONDO:0010650, OMIM 309350.
Frontometaphyseal dysplasia (FMD1). Identifiers: Orphanet 1826, MedGen C0265293, MONDO:0015942.

Submission:

Labcorp Genetics (formerly Invitae), Labcorp
Classification: Pathogenic for Oto-palato-digital syndrome, type II; Heterotopia, periventricular, X-linked dominant; Frontometaphyseal dysplasia; Melnick-Needles syndrome. Last evaluated: 2025-06-02. Review status: criteria provided, single submitter. Criteria: Invitae Variant Classification Sherloc (09022015). Collection method: clinical testing. Allele origin: germline.
Comment: This sequence change affects a donor splice site in intron 7 of the FLNA gene. It is expected to disrupt RNA splicing. Variants that disrupt the donor or acceptor splice site typically lead to a loss of protein function (PMID: 16199547), and loss-of-function variants in FLNA are known to be pathogenic (PMID: 16684786, 20730588, 26471271). This variant is not present in population databases (gnomAD no frequency). Disruption of this splice site has been observed in individuals with periventricular nodular heterotopia (PMID: 26471271, 30391507). Algorithms developed to predict the effect of sequence changes on RNA splicing suggest that this variant may disrupt the consensus splice site. For these reasons, this variant has been classified as Pathogenic.

Literature cited by the submitters: PubMed 16199547; PubMed 16684786; PubMed 20730588; PubMed 26471271; PubMed 30391507.

NM_001110556.2(FLNA):c.1065+1G>A

Gene: FLNA (filamin A; minus strand). Cytogenetic location: Xq28.
Variant type: single nucleotide variant.
Coding change: c.1065+1G>A on transcript NM_001110556.2 (MANE Select); the canonical splice donor site of the intron after coding-DNA position 1065, G replaced by A.
Molecular consequence: splice donor variant.
Genome position (GRCh38, 1-based): chrX:154,366,561, C>T on the plus strand (G>A on the coding strand, the complement: FLNA is on the minus strand). VCF-style: chrX-154366561-C-T. GRCh37 (hg19) VCF-style: chrX-153594929-C-T.
Other names: c.1065+1G>A (NM_001456.4).
Identifiers: ClinVar variation 4787823 (VCV004787823.1).
Genomic context (GRCh38, chrX:154,366,561, plus strand): 5'-GGGCTGGGGGCCTCCAGCCACTGCCTGAGGTCACAAGCCTCCCCCCTGGCCAAGGGCTCA[C>T]CTTATGAGTCCCCGTCACCTCGGGGACGTACCAGACGGAGAAGGTGCGGTTCTTGTCGTT-3'